The following is an entry in ClinVar:

ClinVar aggregate classification (germline): Uncertain significance. Review status: criteria provided, multiple submitters, no conflicts (2 of 4 stars). 3 submissions from 3 submitters: Uncertain significance (3). Last evaluated 2025-08-23.

Conditions:
Inborn genetic diseases. Identifiers: MedGen C0950123, MeSH D030342.

Allele frequency attached by ClinVar (database versions not stated): gnomAD 0.00002; TOPMed 0.00002; ExAC 0.00003; gnomAD exomes 0.00004.
gnomAD v4.1: 17 of 1,613,288 alleles (0.0011%); highest among the groups gnomAD compares: East Asian, 0.018%; no homozygotes.

Submissions (3):

Ambry Genetics
Classification: Uncertain significance for Inborn genetic diseases. Last evaluated: 2025-08-23. Review status: criteria provided, single submitter. Criteria: Ambry Variant Classification Scheme 2023. Collection method: clinical testing. Allele origin: germline.

Labcorp Genetics (formerly Invitae), Labcorp
Classification: Uncertain significance. Last evaluated: 2024-11-05. Review status: criteria provided, single submitter. Criteria: Invitae Variant Classification Sherloc (09022015). Collection method: clinical testing. Allele origin: germline.
Comment: This sequence change replaces glutamic acid, which is acidic and polar, with lysine, which is basic and polar, at codon 165 of the P3H2 protein (p.Glu165Lys). This variant is present in population databases (rs756832334, gnomAD 0.04%). This variant has not been reported in the literature in individuals affected with P3H2-related conditions. ClinVar contains an entry for this variant (Variation ID: 933690). Invitae Evidence Modeling of protein sequence and biophysical properties (such as structural, functional, and spatial information, amino acid conservation, physicochemical variation, residue mobility, and thermodynamic stability) indicates that this missense variant is not expected to disrupt P3H2 protein function with a negative predictive value of 80%. In summary, the available evidence is currently insufficient to determine the role of this variant in disease. Therefore, it has been classified as a Variant of Uncertain Significance.

Blueprint Genetics
Classification: Uncertain significance. Last evaluated: 2022-06-03. Review status: criteria provided, single submitter. Criteria: ACMG Guidelines, 2015. Collection method: clinical testing. Allele origin: germline.

NM_018192.4(P3H2):c.493G>A (p.Glu165Lys)

Gene: P3H2 (prolyl 3-hydroxylase 2; minus strand). Cytogenetic location: 3q28.
Variant type: single nucleotide variant.
Coding change: c.493G>A on transcript NM_018192.4 (MANE Select); coding-DNA position 493, G replaced by A.
Protein change: p.Glu165Lys; replaces glutamic acid 165 with lysine.
Molecular consequence: missense variant. On other transcripts: 5 prime UTR variant (1).
Genome position (GRCh38, 1-based): chr3:189,995,430, C>T on the plus strand (G>A on the coding strand, the complement: P3H2 is on the minus strand). VCF-style: chr3-189995430-C-T. GRCh37 (hg19) VCF-style: chr3-189713219-C-T.
Other names: c.-51G>A (NM_001134418.2); short protein forms E165K.
Identifiers: ClinVar variation 933690 (VCV000933690.7), dbSNP rs756832334, ClinGen allele CA2753327.